The following is an entry in ClinVar:

NM_001253852.3(AP4B1):c.749G>A (p.Gly250Asp)

Genes: AP4B1 (adaptor related protein complex 4 subunit beta 1; minus strand), AP4B1-AS1 (AP4B1 antisense RNA 1; plus strand). Cytogenetic location: 1p13.2.
Variant type: single nucleotide variant.
Coding change: c.749G>A on transcript NM_001253852.3 (MANE Select); coding-DNA position 749, G replaced by A.
Protein change: p.Gly250Asp; replaces glycine 250 with aspartic acid.
Molecular consequence: missense variant. On other transcripts: non-coding transcript variant (2).
Genome position (GRCh38, 1-based): chr1:113,900,269, C>T on the plus strand (G>A on the coding strand, the complement: AP4B1 is on the minus strand). VCF-style: chr1-113900269-C-T. GRCh37 (hg19) VCF-style: chr1-114442891-C-T.
Other names: c.452G>A, p.Gly151Asp (NM_001253853.3); c.245G>A, p.Gly82Asp (NM_001308312.2); c.749G>A, p.Gly250Asp (NM_006594.5); c.749G>A (NM_006594.2); short protein forms G82D, G151D, G250D.
Identifiers: ClinVar variation 1393895 (VCV001393895.9), dbSNP rs778029639, ClinGen allele CA1016019.
Genomic context (GRCh38, chr1:113,900,269, plus strand): 5'-TGTACGTGGGGAAACATTTTTGCCAAGATCAGAAAAAGTTTGGTAGCTCCCATCACCACA[C>T]CTGGGCTACTGCTCTTGAGGAAACTATCCAACAGATTGAGAATGTCAAATAGTTCTTCCT-3'
Protein context (NP_001240781.1, residues 240-260): LDSFLKSSSP[Gly250Asp]VVMGATKLFL

ClinVar aggregate classification (germline): Uncertain significance. Review status: criteria provided, multiple submitters, no conflicts (2 of 4 stars). 2 submissions from 2 submitters: Uncertain significance (2). Last evaluated 2023-12-17.

Conditions:
Inborn genetic diseases. Identifiers: MedGen C0950123, MeSH D030342.
Hereditary spastic paraplegia 47. Also called: CEREBRAL PALSY, SPASTIC QUADRIPLEGIC, 5; adaptor protein 4 (AP-4) deficiency syndrome; Spastic paraplegia 47, autosomal recessive. Identifiers: Orphanet 280763, MedGen C3279738, MONDO:0013551, OMIM 614066.

Allele frequency attached by ClinVar (database versions not stated): gnomAD 0.00001 and 0.00002; TOPMed 0.00005.

Submissions (2):

Ambry Genetics
Classification: Uncertain significance for Inborn genetic diseases. Last evaluated: 2023-12-17. Review status: criteria provided, single submitter. Criteria: Ambry Variant Classification Scheme 2023. Collection method: clinical testing. Allele origin: germline.

Labcorp Genetics (formerly Invitae), Labcorp
Classification: Uncertain significance for Hereditary spastic paraplegia 47. Last evaluated: 2021-06-25. Review status: criteria provided, single submitter. Criteria: Invitae Variant Classification Sherloc (09022015). Collection method: clinical testing. Allele origin: germline.
Comment: This sequence change replaces glycine with aspartic acid at codon 250 of the AP4B1 protein (p.Gly250Asp). The glycine residue is weakly conserved and there is a moderate physicochemical difference between glycine and aspartic acid. This variant is present in population databases (rs778029639, ExAC 0.02%). This variant has not been reported in the literature in individuals with AP4B1-related conditions. Algorithms developed to predict the effect of missense changes on protein structure and function are either unavailable or do not agree on the potential impact of this missense change (SIFT: "Tolerated"; PolyPhen-2: "Possibly Damaging"; Align-GVGD: "Class C0"). In summary, the available evidence is currently insufficient to determine the role of this variant in disease. Therefore, it has been classified as a Variant of Uncertain Significance.